The following is an entry in ClinVar:

NM_000271.5(NPC1):c.1253_1260dup (p.Gln421fs)

Gene: NPC1 (NPC intracellular cholesterol transporter 1; minus strand). Cytogenetic location: 18q11.2.
Variant type: Duplication.
Coding change: c.1253_1260dup on transcript NM_000271.5 (MANE Select); coding-DNA positions 1253 to 1260, 8 bases duplicated (ACATTTAC; older notation c.1253_1260dupACATTTAC).
Protein change: p.Gln421fs; shifts the reading frame from glutamine 421.
Molecular consequence: frameshift variant.
Genome position (GRCh38, 1-based): chr18:23,556,309-23,556,316, GTAAATGT duplicated on the plus strand (ACATTTAC on the coding strand, the reverse complement: NPC1 is on the minus strand); duplicating any 8 consecutive bases within chr18:23,556,309-23,556,318 gives the same sequence; the c. name uses the placement nearest the transcript's 3' end. VCF-style (leftmost placement, unchanged base first): chr18-23556308-G-GGTAAATGT. GRCh37 (hg19) VCF-style: chr18-21136272-G-GGTAAATGT.
Other names: short protein forms Q421fs.
Identifiers: ClinVar variation 2807989 (VCV002807989.3), dbSNP rs2511282463, ClinGen allele CA2739268558.
Genomic context (GRCh38, chr18:23,556,308, plus strand): 5'-GCAGTATCTGTATGTCAAGCGGAGGTCCAAAGGGTACATCAGCTCCCGAAGGGTATGGCT[G>GGTAAATGT]GTAAATGTGTTTGTCAGTGAGAGGGGCCCGGATGATGAGCTGCTCCGTCCGGAAGAAAGG-3'

ClinVar aggregate classification (germline): Pathogenic (1 of 4 stars; one submission).

Conditions:
Niemann-Pick disease, type C1. Also called: NIEMANN-PICK DISEASE, VARIANT TYPE C1; NEUROVISCERAL STORAGE DISEASE WITH VERTICAL SUPRANUCLEAR OPHTHALMOPLEGIA; NIEMANN-PICK DISEASE WITH CHOLESTEROL ESTERIFICATION BLOCK; NIEMANN-PICK DISEASE WITHOUT SPHINGOMYELINASE DEFICIENCY; NIEMANN-PICK DISEASE, CHRONIC NEURONOPATHIC FORM. Identifiers: Orphanet 646, MedGen C3179455, MONDO:0009757, OMIM 257220.

Submission:

Labcorp Genetics (formerly Invitae), Labcorp
Classification: Pathogenic for Niemann-Pick disease, type C1. Last evaluated: 2024-03-18. Review status: criteria provided, single submitter. Criteria: Invitae Variant Classification Sherloc (09022015). Collection method: clinical testing. Allele origin: germline.
Comment: This sequence change creates a premature translational stop signal (p.Gln421Thrfs*31) in the NPC1 gene. It is expected to result in an absent or disrupted protein product. Loss-of-function variants in NPC1 are known to be pathogenic (PMID: 9211850). This variant is not present in population databases (gnomAD no frequency). This variant has not been reported in the literature in individuals affected with NPC1-related conditions. For these reasons, this variant has been classified as Pathogenic.

Literature cited by the submitters: PubMed 9211850.